The following is an entry in ClinVar:

ClinVar aggregate classification (germline): Uncertain significance (1 of 4 stars; one submission).

Allele frequency attached by ClinVar (database versions not stated): gnomAD exomes below 0.00001.
gnomAD v4.1: 2 of 1,613,606 alleles (0.00012%); highest among the groups gnomAD compares: Non-Finnish European, 0.00017%; no homozygotes.

Submission:

Labcorp Genetics (formerly Invitae), Labcorp
Classification: Uncertain significance. Last evaluated: 2022-11-07. Review status: criteria provided, single submitter. Criteria: Invitae Variant Classification Sherloc (09022015). Collection method: clinical testing. Allele origin: germline.
Comment: This variant is not present in population databases (gnomAD no frequency). This variant has not been reported in the literature in individuals affected with WNT3-related conditions. Advanced modeling of protein sequence and biophysical properties (such as structural, functional, and spatial information, amino acid conservation, physicochemical variation, residue mobility, and thermodynamic stability) performed at Invitae indicates that this missense variant is not expected to disrupt WNT3 protein function. In summary, the available evidence is currently insufficient to determine the role of this variant in disease. Therefore, it has been classified as a Variant of Uncertain Significance. This sequence change replaces alanine, which is neutral and non-polar, with serine, which is neutral and polar, at codon 162 of the WNT3 protein (p.Ala162Ser).

NM_030753.5(WNT3):c.484G>T (p.Ala162Ser)

Genes: LRRC37A2 (leucine rich repeat containing 37 member A2), WNT3 (Wnt family member 3; minus strand). Cytogenetic location: 17q21.31.
Variant type: single nucleotide variant.
Coding change: c.484G>T on transcript NM_030753.5 (MANE Select); coding-DNA position 484, G replaced by T.
Protein change: p.Ala162Ser; replaces alanine 162 with serine.
Molecular consequence: missense variant.
Genome position (GRCh38, 1-based): chr17:46,769,887, C>A on the plus strand (G>T on the coding strand, the complement: WNT3 is on the minus strand). VCF-style: chr17-46769887-C-A. GRCh37 (hg19) VCF-style: chr17-44847253-C-A.
Other names: short protein forms A162S.
Identifiers: ClinVar variation 2019784 (VCV002019784.4), dbSNP rs2545983891, ClinGen allele CA400010776.